The following is an entry in ClinVar:

NM_172364.5(CACNA2D4):c.2068A>G (p.Thr690Ala)

Gene: CACNA2D4 (calcium voltage-gated channel auxiliary subunit alpha2delta 4; minus strand). Cytogenetic location: 12p13.33.
Variant type: single nucleotide variant.
Coding change: c.2068A>G on transcript NM_172364.5 (MANE Select); coding-DNA position 2068, A replaced by G.
Protein change: p.Thr690Ala; replaces threonine 690 with alanine.
Molecular consequence: missense variant.
Genome position (GRCh38, 1-based): chr12:1,856,096, T>C on the plus strand (A>G on the coding strand, the complement: CACNA2D4 is on the minus strand). VCF-style: chr12-1856096-T-C. GRCh37 (hg19) VCF-style: chr12-1965262-T-C.
Other names: short protein forms T690A.
Identifiers: ClinVar variation 964784 (VCV000964784.9), dbSNP rs1024018519, ClinGen allele CA231533379.

ClinVar aggregate classification (germline): Uncertain significance (1 of 4 stars; one submission).

Allele frequency attached by ClinVar (database versions not stated): TOPMed below 0.00001.

Submission:

Labcorp Genetics (formerly Invitae), Labcorp
Classification: Uncertain significance. Last evaluated: 2022-02-09. Review status: criteria provided, single submitter. Criteria: Invitae Variant Classification Sherloc (09022015). Collection method: clinical testing. Allele origin: germline.
Comment: This sequence change replaces threonine, which is neutral and polar, with alanine, which is neutral and non-polar, at codon 690 of the CACNA2D4 protein (p.Thr690Ala). This variant is not present in population databases (gnomAD no frequency). This variant has not been reported in the literature in individuals affected with CACNA2D4-related conditions. ClinVar contains an entry for this variant (Variation ID: 964784). Algorithms developed to predict the effect of missense changes on protein structure and function are either unavailable or do not agree on the potential impact of this missense change (SIFT: "Deleterious"; PolyPhen-2: "Possibly Damaging"; Align-GVGD: "Class C0"). In summary, the available evidence is currently insufficient to determine the role of this variant in disease. Therefore, it has been classified as a Variant of Uncertain Significance.